The following is an entry in ClinVar:

ClinVar aggregate classification (germline): Uncertain significance. Review status: criteria provided, multiple submitters, no conflicts (2 of 4 stars). 2 submissions from 2 submitters: Uncertain significance (2). Last evaluated 2022-08-01.

Conditions:
Severe combined immunodeficiency due to DNA-PKcs deficiency. Also called: IMMUNODEFICIENCY 26 WITH NEUROLOGIC ABNORMALITIES; Immunodeficiency 26 with or without neurologic abnormalities. Identifiers: Orphanet 317425, MedGen C4014833, MONDO:0014423, OMIM 615966.

Submissions (2):

Labcorp Genetics (formerly Invitae), Labcorp
Classification: Uncertain significance for Severe combined immunodeficiency due to DNA-PKcs deficiency. Last evaluated: 2022-08-01. Review status: criteria provided, single submitter. Criteria: Invitae Variant Classification Sherloc (09022015). Collection method: clinical testing. Allele origin: germline.
Comment: This variant, c.3148_3150del, results in the deletion of 1 amino acid(s) of the PRKDC protein (p.Glu1050del), but otherwise preserves the integrity of the reading frame. This variant is present in population databases (rs778725742, gnomAD 0.0009%). This variant has not been reported in the literature in individuals affected with PRKDC-related conditions. ClinVar contains an entry for this variant (Variation ID: 582527). Experimental studies and prediction algorithms are not available or were not evaluated, and the functional significance of this variant is currently unknown. In summary, the available evidence is currently insufficient to determine the role of this variant in disease. Therefore, it has been classified as a Variant of Uncertain Significance.

Breakthrough Genomics
Classification: Uncertain significance. Review status: criteria provided, single submitter. Criteria: ACMG Guidelines, 2015. Collection method: not provided. Allele origin: germline. Inheritance: Autosomal recessive inheritance. Affected: yes.

NM_006904.7(PRKDC):c.3148_3150del (p.Glu1050del)

Gene: PRKDC (protein kinase, DNA-activated, catalytic subunit; minus strand). Cytogenetic location: 8q11.21.
Variant type: Deletion.
Coding change: c.3148_3150del on transcript NM_006904.7 (MANE Select); coding-DNA positions 3148 to 3150, 3 bases deleted (GAG; older notation c.3148_3150delGAG).
Protein change: p.Glu1050del; deletes glutamic acid 1050.
Molecular consequence: inframe deletion.
Genome position (GRCh38, 1-based): chr8:47,902,688-47,902,690, CTC deleted on the plus strand (GAG on the coding strand, the reverse complement: PRKDC is on the minus strand); deleting any 3 consecutive bases within chr8:47,902,688-47,902,692 gives the same sequence; the c. name uses the placement nearest the transcript's 3' end. VCF-style (leftmost placement, unchanged base first): chr8-47902687-TCTC-T. GRCh37 (hg19) VCF-style: chr8-48815247-TCTC-T.
Other names: c.3148_3150delGAG (NM_006904.6); c.3148_3150del, p.Glu1050del (NM_001081640.2); short protein forms E1050del.
Identifiers: ClinVar variation 582527 (VCV000582527.3), dbSNP rs778725742, ClinGen allele CA4741261.